The following is an entry in ClinVar:

NM_001370658.1(BTD):c.690C>G (p.Phe230Leu)

Gene: BTD (biotinidase; plus strand). Cytogenetic location: 3p25.1.
Variant type: single nucleotide variant.
Coding change: c.690C>G on transcript NM_001370658.1 (MANE Select); coding-DNA position 690, C replaced by G.
Protein change: p.Phe230Leu; replaces phenylalanine 230 with leucine.
Molecular consequence: missense variant. On other transcripts: intron variant (6).
Genome position (GRCh38, 1-based): chr3:15,644,606, C>G. VCF-style: chr3-15644606-C-G. GRCh37 (hg19) VCF-style: chr3-15686113-C-G.
Other names: c.399+2549C>G (NM_001370753.1, NM_001407400.1, NM_001407380.1 and 3 more transcripts); c.690C>G, p.Phe230Leu (NM_001281723.4, NM_001281724.3, NM_001281725.3 and 18 more transcripts); short protein forms F230L.
Identifiers: ClinVar variation 3251568 (VCV003251568.1), dbSNP rs2125501783.

ClinVar aggregate classification (germline): Uncertain significance (1 of 4 stars; one submission).

Submission:

Women's Health and Genetics/Laboratory Corporation of America, LabCorp
Classification: Uncertain significance. Last evaluated: 2024-04-03. Review status: criteria provided, single submitter. Criteria: LabCorp Variant Classification Summary - May 2015. Collection method: clinical testing. Allele origin: germline.
Comment: Variant summary: BTD c.690C>G (p.Phe230Leu) results in a non-conservative amino acid change in the encoded protein sequence. Five of five in-silico tools predict a damaging effect of the variant on protein function. The variant was absent in 251452 control chromosomes (gnomAD). The available data on variant occurrences in the general population are insufficient to allow any conclusion about variant significance. c.690C>G has been reported in the literature in an individual affected with Biotinidase Deficiency (Semararo_2022). These data do not allow any conclusion about variant significance. To our knowledge, no experimental evidence demonstrating an impact on protein function has been reported. The following publication has been ascertained in the context of this evaluation (PMID: 35805799). No submitters have cited clinical-significance assessments for this variant to ClinVar. Based on the evidence outlined above, the variant was classified as uncertain significance.

Literature cited by the submitters: PubMed 35805799.